The following is an entry in ClinVar:

ClinVar aggregate classification (germline): Conflicting classifications of pathogenicity. Review status: criteria provided, conflicting classifications (1 of 4 stars). 4 submissions from 4 submitters: Uncertain significance (1); Benign (2). 1 of the submissions does not count toward it. Last evaluated 2025-11-30.

Conditions:
Primary ciliary dyskinesia 12. Also called: CILIARY DYSKINESIA, PRIMARY, 12, WITHOUT SITUS INVERSUS. Identifiers: Orphanet 244, MedGen C2675228, MONDO:0012979, OMIM 612650.
Primary ciliary dyskinesia. Also called: Ciliary dyskinesia. Identifiers: Orphanet 244, MedGen C0008780, MONDO:0016575, HP:0012265.
RSPH9-related disorder. Also called: RSPH9-related condition.

Allele frequency attached by ClinVar (database versions not stated): ESP Exome Variant Server 0.00008; gnomAD exomes 0.00020 and 0.00068; gnomAD 0.00025 and 0.00040; TOPMed 0.00036; ExAC 0.00063; 1000 Genomes Project 30x 0.00265; 1000 Genomes Project 0.00300.

Submissions (4):

Labcorp Genetics (formerly Invitae), Labcorp
Classification: Benign for Primary ciliary dyskinesia. Last evaluated: 2025-11-30. Review status: criteria provided, single submitter. Criteria: Invitae Variant Classification Sherloc (09022015). Collection method: clinical testing. Allele origin: germline.

Illumina Laboratory Services, Illumina
Classification: Uncertain significance for Primary ciliary dyskinesia 12. Last evaluated: 2018-01-12. Review status: criteria provided, single submitter. Criteria: ICSL Variant Classification Criteria 13 December 2019. Collection method: clinical testing. Allele origin: germline.

Ambry Genetics
Classification: Benign for Primary ciliary dyskinesia. Last evaluated: 2017-11-16. Review status: criteria provided, single submitter. Criteria: Ambry Variant Classification Scheme 2023. Collection method: clinical testing. Allele origin: germline.

PreventionGenetics, part of Exact Sciences
Classification: Benign for RSPH9-related condition. Last evaluated: 2019-08-16. Review status: no assertion criteria provided. Collection method: clinical testing. Allele origin: germline. Not counted in ClinVar's aggregate classification.
Comment: This variant is classified as benign based on ACMG/AMP sequence variant interpretation guidelines (Richards et al. 2015 PMID: 25741868, with internal and published modifications).

NM_152732.5(RSPH9):c.512G>A (p.Arg171Gln)

Gene: RSPH9 (radial spoke head component 9; plus strand). Cytogenetic location: 6p21.1.
Variant type: single nucleotide variant.
Coding change: c.512G>A on transcript NM_152732.5 (MANE Select); coding-DNA position 512, G replaced by A.
Protein change: p.Arg171Gln; replaces arginine 171 with glutamine.
Molecular consequence: missense variant. On other transcripts: non-coding transcript variant (2).
Genome position (GRCh38, 1-based): chr6:43,655,680, G>A. VCF-style: chr6-43655680-G-A. GRCh37 (hg19) VCF-style: chr6-43623417-G-A.
Other names: c.467G>A, p.Arg156Gln (NM_001193341.2, NM_001424120.1); c.512G>A, p.Arg171Gln (NM_001424119.1, NM_001424121.1); short protein forms R171Q, R156Q.
Identifiers: ClinVar variation 357018 (VCV000357018.20), dbSNP rs201032669, ClinGen allele CA3828314.